The following is an entry in ClinVar:

ClinVar aggregate classification (germline): Uncertain significance. Review status: criteria provided, multiple submitters, no conflicts (2 of 4 stars). 2 submissions from 2 submitters: Uncertain significance (2). Last evaluated 2024-03-16.

Conditions:
Hereditary cancer-predisposing syndrome. Also called: Tumor predisposition; Neoplastic Syndromes, Hereditary; Hereditary neoplastic syndrome; Hereditary Cancer Syndrome. Identifiers: Orphanet 140162, MedGen C0027672, MeSH D009386, MONDO:0015356.
Ataxia-telangiectasia syndrome (AT). Also called: Ataxia-telangiectasia, complementation group D; AT, COMPLEMENTATION GROUP C; ATAXIA-TELANGIECTASIA, COMPLEMENTATION GROUP A; ATAXIA-TELANGIECTASIA, FRESNO VARIANT; Ataxia-telangiectasia; Ataxia telangiectasia (A-T). Identifiers: Orphanet 100, MedGen C0004135, MONDO:0008840, OMIM 208900.

Submissions (2):

Ambry Genetics
Classification: Uncertain significance for Hereditary cancer-predisposing syndrome. Last evaluated: 2024-03-16. Review status: criteria provided, single submitter. Criteria: Ambry Variant Classification Scheme 2023. Collection method: clinical testing. Allele origin: germline.
Comment: The p.R2763G variant (also known as c.8287C>G), located in coding exon 56 of the ATM gene, results from a C to G substitution at nucleotide position 8287. The arginine at codon 2763 is replaced by glycine, an amino acid with dissimilar properties. This amino acid position is conserved. In addition, this alteration is predicted to be deleterious by in silico analysis. Based on the available evidence, the clinical significance of this alteration remains unclear.

Labcorp Genetics (formerly Invitae), Labcorp
Classification: Uncertain significance for Ataxia-telangiectasia syndrome. Last evaluated: 2024-01-28. Review status: criteria provided, single submitter. Criteria: Invitae Variant Classification Sherloc (09022015). Collection method: clinical testing. Allele origin: germline.
Comment: This sequence change replaces arginine, which is basic and polar, with glycine, which is neutral and non-polar, at codon 2763 of the ATM protein (p.Arg2763Gly). This variant is not present in population databases (gnomAD no frequency). This variant has not been reported in the literature in individuals affected with ATM-related conditions. ClinVar contains an entry for this variant (Variation ID: 933532). An algorithm developed to predict the effect of missense changes on protein structure and function (PolyPhen-2) suggests that this variant is likely to be disruptive. RNA analysis performed to evaluate the impact of this missense change on mRNA splicing indicates it does not significantly alter splicing (Invitae). In summary, the available evidence is currently insufficient to determine the role of this variant in disease. Therefore, it has been classified as a Variant of Uncertain Significance.

NM_000051.4(ATM):c.8287C>G (p.Arg2763Gly)

Genes: ATM (ATM serine/threonine kinase; plus strand), C11orf65 (chromosome 11 open reading frame 65; minus strand). Cytogenetic location: 11q22.3.
Variant type: single nucleotide variant.
Coding change: c.8287C>G on transcript NM_000051.4 (MANE Select); coding-DNA position 8287, C replaced by G.
Protein change: p.Arg2763Gly; replaces arginine 2763 with glycine.
Molecular consequence: missense variant. On other transcripts: intron variant (2).
Genome position (GRCh38, 1-based): chr11:108,343,240, C>G. VCF-style: chr11-108343240-C-G. GRCh37 (hg19) VCF-style: chr11-108213967-C-G.
Other names: c.8287C>G, p.Arg2763Gly (NM_001351834.2); c.641-34169G>C (NM_001330368.2); c.695-7948G>C (NM_001351110.2); short protein forms R2763G.
Identifiers: ClinVar variation 933532 (VCV000933532.11), dbSNP rs876659872, ClinGen allele CA382516316.